The following is an entry in ClinVar:

ClinVar aggregate classification (germline): Uncertain significance (1 of 4 stars; one submission).

Conditions:
Primary dilated cardiomyopathy (DCM). Also called: Dilated Cardiomyopathy. Identifiers: Orphanet 217604, MedGen C0007193, MeSH D002311, MONDO:0005021, HP:0001644. Inheritance: Various modes of inheritance.

Submission:

Labcorp Genetics (formerly Invitae), Labcorp
Classification: Uncertain significance for Primary dilated cardiomyopathy. Last evaluated: 2026-01-22. Review status: criteria provided, single submitter. Criteria: Invitae Variant Classification Sherloc (09022015). Collection method: clinical testing. Allele origin: germline.
Comment: This sequence change replaces alanine, which is neutral and non-polar, with glutamic acid, which is acidic and polar, at codon 575 of the NEBL protein (p.Ala575Glu). This variant is not present in population databases (gnomAD no frequency). This variant has not been reported in the literature in individuals affected with NEBL-related conditions. An algorithm developed to predict the effect of missense changes on protein structure and function (PolyPhen-2) suggests that this variant is likely to be tolerated. In summary, the available evidence is currently insufficient to determine the role of this variant in disease. Therefore, it has been classified as a Variant of Uncertain Significance.

NM_006393.3(NEBL):c.1724C>A (p.Ala575Glu)

Gene: NEBL (nebulette; minus strand). Cytogenetic location: 10p12.31.
Variant type: single nucleotide variant.
Coding change: c.1724C>A on transcript NM_006393.3 (MANE Select); coding-DNA position 1724, C replaced by A.
Protein change: p.Ala575Glu; replaces alanine 575 with glutamic acid.
Molecular consequence: missense variant. On other transcripts: intron variant (9).
Genome position (GRCh38, 1-based): chr10:20,828,582, G>T on the plus strand (C>A on the coding strand, the complement: NEBL is on the minus strand). VCF-style: chr10-20828582-G-T. GRCh37 (hg19) VCF-style: chr10-21117511-G-T.
Other names: c.250-15642C>A (NM_001377326.1, NM_001377327.1, NM_001377328.1); c.358-15642C>A (NM_213569.2, NM_001173484.2, NM_001377322.1); c.301-15642C>A (NM_001377324.1); c.292-15642C>A (NM_001377325.1); c.310-15642C>A (NM_001377323.1); short protein forms A575E.
Identifiers: ClinVar variation 4707591 (VCV004707591.1).